The following is an entry in ClinVar:

ClinVar aggregate classification (germline): Conflicting classifications of pathogenicity. Review status: criteria provided, conflicting classifications (1 of 4 stars). 3 submissions from 3 submitters: Uncertain significance (2); Likely benign (1). Last evaluated 2025-06-18.

Conditions:
Hereditary cancer-predisposing syndrome. Also called: Hereditary neoplastic syndrome; Tumor predisposition; Neoplastic Syndromes, Hereditary; Hereditary Cancer Syndrome. Identifiers: Orphanet 140162, MedGen C0027672, MeSH D009386, MONDO:0015356.
Hereditary breast ovarian cancer syndrome. Also called: Hereditary breast and ovarian cancer; Breast and ovarian cancer; BRCA1- and BRCA2-Associated Hereditary Breast and Ovarian Cancer; Hereditary breast and/or ovarian cancer syndrome; Hereditary breast and ovarian cancer syndrome; Hereditary breast and ovarian cancer syndrome (HBOC). Identifiers: Orphanet 145, MedGen C0677776, MeSH D061325, MONDO:0003582. Disease mechanism: loss of function.

Submissions (3):

Color Diagnostics, LLC DBA Color Health
Classification: Uncertain significance for Hereditary cancer-predisposing syndrome. Last evaluated: 2025-06-18. Review status: criteria provided, single submitter. Criteria: ACMG Guidelines, 2015. Collection method: clinical testing. Allele origin: germline.
Comment: This missense variant replaces glutamic acid with lysine at codon 1282 of the BRCA1 protein. Computational prediction is inconclusive regarding the impact of this variant on protein structure and function. To our knowledge, functional studies have not been reported for this variant. This variant has not been reported in individuals affected with BRCA1-related disorders in the literature. This variant has not been identified in the general population by the Genome Aggregation Database (gnomAD). The available evidence is insufficient to determine the role of this variant in disease conclusively. Therefore, this variant is classified as a Variant of Uncertain Significance.

University of Washington Department of Laboratory Medicine, University of Washington
Classification: Likely benign for Hereditary cancer-predisposing syndrome. Last evaluated: 2023-03-23. Review status: criteria provided, single submitter. Criteria: Dines et al. (Genet Med. 2020). Collection method: curation. Allele origin: germline.
Comment: Missense variant in a coldspot region where missense variants are very unlikely to be pathogenic (PMID:31911673).

BRCA1 coldspot (exon 11 using historical exon numbering). Reclassification based on statistical prior probability

Labcorp Genetics (formerly Invitae), Labcorp
Classification: Uncertain significance for Hereditary breast ovarian cancer syndrome. Last evaluated: 2021-02-16. Review status: criteria provided, single submitter. Criteria: Invitae Variant Classification Sherloc (09022015). Collection method: clinical testing. Allele origin: germline.
Comment: Advanced modeling of protein sequence and biophysical properties (such as structural, functional, and spatial information, amino acid conservation, physicochemical variation, residue mobility, and thermodynamic stability) performed at Invitae indicates that this missense variant is not expected to disrupt BRCA1 protein function. This variant has not been reported in the literature in individuals with BRCA1-related conditions. This variant is not present in population databases (ExAC no frequency). This sequence change replaces glutamic acid with lysine at codon 1282 of the BRCA1 protein (p.Glu1282Lys). The glutamic acid residue is moderately conserved and there is a small physicochemical difference between glutamic acid and lysine. In summary, the available evidence is currently insufficient to determine the role of this variant in disease. Therefore, it has been classified as a Variant of Uncertain Significance.

NM_007294.4(BRCA1):c.3844G>A (p.Glu1282Lys)

Genes: BRCA1 (BRCA1 DNA repair associated; minus strand), LOC126862571 (BRD4-independent group 4 enhancer GRCh37_chr17:41243136-41244335; plus strand). Cytogenetic location: 17q21.31.
Variant type: single nucleotide variant.
Coding change: c.3844G>A on transcript NM_007294.4 (MANE Select); coding-DNA position 3844, G replaced by A.
Protein change: p.Glu1282Lys; replaces glutamic acid 1282 with lysine.
Molecular consequence: missense variant. On other transcripts: intron variant (135).
Genome position (GRCh38, 1-based): chr17:43,091,687, C>T on the plus strand (G>A on the coding strand, the complement: BRCA1 is on the minus strand). VCF-style: chr17-43091687-C-T. GRCh37 (hg19) VCF-style: chr17-41243704-C-T.
Other names: c.3631G>A, p.Glu1211Lys (NM_001407571.1, NM_001407853.1, NM_001407894.1 and 9 more transcripts); c.3844G>A, p.Glu1282Lys (NM_001407581.1, NM_001407582.1, NM_001407583.1 and 30 more transcripts); c.3841G>A, p.Glu1281Lys (NM_001407587.1, NM_001407610.1, NM_001407611.1 and 22 more transcripts); c.3835G>A, p.Glu1279Lys (NM_001407646.1, NM_001407647.1); c.3721G>A, p.Glu1241Lys (NM_001407648.1, NM_001407664.1, NM_001407665.1 and 19 more transcripts); c.3718G>A, p.Glu1240Lys (NM_001407649.1, NM_001407670.1, NM_001407671.1 and 11 more transcripts); c.3766G>A, p.Glu1256Lys (NM_001407653.1, NM_001407654.1, NM_001407655.1 and 4 more transcripts); c.3763G>A, p.Glu1255Lys (NM_001407659.1, NM_001407660.1, NM_001407661.1 and 1 more transcripts); and 41 more; short protein forms E1235K, E1282K, E1241K, E1281K, E986K, E1154K, E1170K, E1194K.
Identifiers: ClinVar variation 1506012 (VCV001506012.11), dbSNP rs2154281717, ClinGen allele CA10594279.